The following is an entry in ClinVar:

ClinVar aggregate classification (germline): Likely pathogenic (1 of 4 stars; one submission).

Conditions:
PPARG-related familial partial lipodystrophy. Also called: LIPODYSTROPHY, FAMILIAL PARTIAL, ASSOCIATED WITH PPARG MUTATIONS. Identifiers: Orphanet 79083, MedGen C1720861, MONDO:0011448, OMIM 604367.
Type 2 diabetes mellitus. Also called: Type II diabetes mellitus. Identifiers: MedGen C0011860, MeSH D003924, MONDO:0005148, OMIM 125853, HP:0005978.

Submission:

Division of Genetic & Genomic Pathology, Hong Kong Children's Hospital
Classification: Likely pathogenic for PPARG-related familial partial lipodystrophy; Type 2 diabetes mellitus. Last evaluated: 2024-09-16. Review status: criteria provided, single submitter. Criteria: ACMG Guidelines, 2015. Collection method: clinical testing. Allele origin: germline. Affected: yes. Observed: 1 variant allele.
Comment: PPARG c.436dup is a frameshift variant, with a premature stop codon, and loss-of-function in the PPARG gene is a known mechanism of disease. This variant was not previously reported in population databases (gnomAD v2.1.1 and v4.1.0) and clinical databases (ClinVar, HGMD).

NM_138711.6(PPARG):c.346dup (p.Ala116fs)

Gene: PPARG (peroxisome proliferator activated receptor gamma; plus strand). Cytogenetic location: 3p25.2.
Variant type: Duplication.
Coding change: c.346dup on transcript NM_138711.6 (MANE Select); coding-DNA position 346, one base duplicated (G; older notation c.346dupG).
Protein change: p.Ala116fs; shifts the reading frame from alanine 116.
Molecular consequence: frameshift variant. On other transcripts: 5 prime UTR variant (1).
Genome position (GRCh38, 1-based): chr3:12,381,447, G duplicated. VCF-style (leftmost placement, unchanged base first): chr3-12381446-A-AG. GRCh37 (hg19) VCF-style: chr3-12422945-A-AG.
Other names: c.436dup, p.Ala146fs (NM_001354668.2, NM_001374265.1, NM_015869.5); c.-82dup (NM_001354669.2); c.352dup, p.Ala118fs (NM_001354670.2, NM_001374266.1); c.346dup, p.Ala116fs (NM_001374261.3, NM_001374262.3, NM_001374263.2 and 6 more transcripts); short protein forms A116fs, A118fs, A146fs.
Identifiers: ClinVar variation 3340491 (VCV003340491.2).